The following is an entry in ClinVar:

NM_032444.4(SLX4):c.4002C>A (p.Asp1334Glu)

Gene: SLX4 (SLX4 structure-specific endonuclease subunit; minus strand). Cytogenetic location: 16p13.3.
Variant type: single nucleotide variant.
Coding change: c.4002C>A on transcript NM_032444.4 (MANE Select); coding-DNA position 4002, C replaced by A.
Protein change: p.Asp1334Glu; replaces aspartic acid 1334 with glutamic acid.
Molecular consequence: missense variant.
Genome position (GRCh38, 1-based): chr16:3,589,636, G>T on the plus strand (C>A on the coding strand, the complement: SLX4 is on the minus strand). VCF-style: chr16-3589636-G-T. GRCh37 (hg19) VCF-style: chr16-3639637-G-T.
Other names: c.4002C>A (NM_032444.2); short protein forms D1334E.
Identifiers: ClinVar variation 1018470 (VCV001018470.11), dbSNP rs201826765, ClinGen allele CA7865769.

ClinVar aggregate classification (germline): Uncertain significance. Review status: criteria provided, multiple submitters, no conflicts (2 of 4 stars). 3 submissions from 3 submitters: Uncertain significance (3). Last evaluated 2023-07-09.

Conditions:
Fanconi anemia (FA). Also called: Fanconi's anemia. Identifiers: Orphanet 84, MedGen C0015625, MeSH D005199, MONDO:0019391.
Fanconi anemia complementation group P. Also called: SLX4-Related Fanconi Anemia. Identifiers: Orphanet 84, MedGen C3469542, MONDO:0013499, OMIM 613951.
Inborn genetic diseases. Identifiers: MedGen C0950123, MeSH D030342.

gnomAD v4.1: 6 of 1,614,014 alleles (0.00037%); highest among the groups gnomAD compares: South Asian, 0.0044%; no homozygotes.

Submissions (3):

Labcorp Genetics (formerly Invitae), Labcorp
Classification: Uncertain significance for Fanconi anemia. Last evaluated: 2023-07-09. Review status: criteria provided, single submitter. Criteria: Invitae Variant Classification Sherloc (09022015). Collection method: clinical testing. Allele origin: germline.
Comment: In summary, the available evidence is currently insufficient to determine the role of this variant in disease. Therefore, it has been classified as a Variant of Uncertain Significance. Algorithms developed to predict the effect of missense changes on protein structure and function output the following: SIFT: "Not Available"; PolyPhen-2: "Benign"; Align-GVGD: "Not Available". The glutamic acid amino acid residue is found in multiple mammalian species, which suggests that this missense change does not adversely affect protein function. ClinVar contains an entry for this variant (Variation ID: 1018470). This variant has not been reported in the literature in individuals affected with SLX4-related conditions. This variant is present in population databases (rs201826765, gnomAD 0.006%). This sequence change replaces aspartic acid, which is acidic and polar, with glutamic acid, which is acidic and polar, at codon 1334 of the SLX4 protein (p.Asp1334Glu).

Ambry Genetics
Classification: Uncertain significance for Inborn genetic diseases. Last evaluated: 2023-06-01. Review status: criteria provided, single submitter. Criteria: Ambry Variant Classification Scheme 2023. Collection method: clinical testing. Allele origin: germline.

Fulgent Genetics
Classification: Uncertain significance for Fanconi anemia complementation group P. Last evaluated: 2021-11-30. Review status: criteria provided, single submitter. Criteria: ACMG Guidelines, 2015. Collection method: clinical testing. Allele origin: unknown.